The following is an entry in ClinVar:

ClinVar aggregate classification (germline): Uncertain significance (1 of 4 stars; one submission).

Submission:

Labcorp Genetics (formerly Invitae), Labcorp
Classification: Uncertain significance. Last evaluated: 2023-09-26. Review status: criteria provided, single submitter. Criteria: Invitae Variant Classification Sherloc (09022015). Collection method: clinical testing. Allele origin: germline.
Comment: In summary, the available evidence is currently insufficient to determine the role of this variant in disease. Therefore, it has been classified as a Variant of Uncertain Significance. An algorithm developed to predict the effect of missense changes on protein structure and function (PolyPhen-2) suggests that this variant is likely to be disruptive. This variant has not been reported in the literature in individuals affected with MC3R-related conditions. This variant is not present in population databases (gnomAD no frequency). This sequence change replaces tryptophan, which is neutral and slightly polar, with cysteine, which is neutral and slightly polar, at codon 255 of the MC3R protein (p.Trp255Cys).

NM_019888.3(MC3R):c.765G>C (p.Trp255Cys)

Gene: MC3R (melanocortin 3 receptor; plus strand). Cytogenetic location: 20q13.2.
Variant type: single nucleotide variant.
Coding change: c.765G>C on transcript NM_019888.3 (MANE Select); coding-DNA position 765, G replaced by C.
Protein change: p.Trp255Cys; replaces tryptophan 255 with cysteine.
Molecular consequence: missense variant.
Genome position (GRCh38, 1-based): chr20:56,249,608, G>C. VCF-style: chr20-56249608-G-C. GRCh37 (hg19) VCF-style: chr20-54824664-G-C.
Other names: short protein forms W255C.
Identifiers: ClinVar variation 2711872 (VCV002711872.3), dbSNP rs756089138, ClinGen allele CA409695677.